The following is an entry in ClinVar:

NM_007294.4(BRCA1):c.1685_1686insGAAAG (p.Ile562fs)

Gene: BRCA1 (BRCA1 DNA repair associated; minus strand). Cytogenetic location: 17q21.31.
Variant type: Insertion.
Coding change: c.1685_1686insGAAAG on transcript NM_007294.4 (MANE Select); coding-DNA positions 1685 to 1686, GAAAG inserted.
Protein change: p.Ile562fs; shifts the reading frame from isoleucine 562.
Molecular consequence: frameshift variant. On other transcripts: intron variant (137).
Genome position: GRCh38 VCF-style: chr17-43093845-A-ACTTTC. GRCh37 (hg19) VCF-style: chr17-41245862-A-ACTTTC.
Other names: c.1472_1473insGAAAG, p.Ile491fs (NM_001407571.1, NM_001407853.1, NM_001407894.1 and 9 more transcripts); c.1685_1686insGAAAG, p.Ile562fs (NM_001407581.1, NM_001407582.1, NM_001407583.1 and 30 more transcripts); c.1682_1683insGAAAG, p.Ile561fs (NM_001407587.1, NM_001407590.1, NM_001407591.1 and 22 more transcripts); c.1676_1677insGAAAG, p.Ile559fs (NM_001407646.1, NM_001407647.1); c.1562_1563insGAAAG, p.Ile521fs (NM_001407648.1, NM_001407664.1, NM_001407665.1 and 19 more transcripts); c.1559_1560insGAAAG, p.Ile520fs (NM_001407649.1, NM_001407670.1, NM_001407671.1 and 11 more transcripts); c.1607_1608insGAAAG, p.Ile536fs (NM_001407653.1, NM_001407654.1, NM_001407655.1 and 4 more transcripts); c.1604_1605insGAAAG, p.Ile535fs (NM_001407659.1, NM_001407660.1, NM_001407661.1 and 1 more transcripts); and 40 more; short protein forms I515fs, I562fs, I394fs, I435fs, I473fs, I494fs, I536fs, I559fs.
Identifiers: ClinVar variation 548154 (VCV000548154.2), dbSNP rs1555591372, ClinGen allele CA658824515.

ClinVar aggregate classification (germline): Pathogenic (3 of 4 stars; one submission).

Conditions:
Breast-ovarian cancer, familial, susceptibility to, 1 (BROVCA1). Also called: BRCA1 Hereditary Breast and Ovarian Cancer; OVARIAN CANCER, SUSCEPTIBILITY TO. Identifiers: Orphanet 145, MedGen C2676676, MONDO:0011450, OMIM 604370. Disease mechanism: loss of function.

Submission:

Evidence-based Network for the Interpretation of Germline Mutant Alleles (ENIGMA)
Classification: Pathogenic for Breast-ovarian cancer, familial, susceptibility to, 1. Last evaluated: 2017-12-15. Review status: reviewed by expert panel. Criteria: ENIGMA BRCA1/2 Classification Criteria (2017-06-29). Collection method: curation. Allele origin: germline. Study: ENIGMA.
Comment: Variant allele predicted to encode a truncated non-functional protein.